The following is an entry in ClinVar:

NM_000218.3(KCNQ1):c.760G>C (p.Val254Leu)

Gene: KCNQ1 (potassium voltage-gated channel subfamily Q member 1; plus strand). Cytogenetic location: 11p15.5.
Variant type: single nucleotide variant.
Coding change: c.760G>C on transcript NM_000218.3 (MANE Select); coding-DNA position 760, G replaced by C.
Protein change: p.Val254Leu; replaces valine 254 with leucine.
Molecular consequence: missense variant.
Genome position (GRCh38, 1-based): chr11:2,572,089, G>C. VCF-style: chr11-2572089-G-C. GRCh37 (hg19) VCF-style: chr11-2593319-G-C.
Other names: c.760G>C (LRG_287t1); c.760G>C, p.Val254Leu (NM_001406836.1); c.490G>C, p.Val164Leu (NM_001406837.1); c.379G>C, p.Val127Leu (NM_181798.2); short protein forms V254L, V127L, V164L.
Identifiers: ClinVar variation 67104 (VCV000067104.3), dbSNP rs120074179, ClinGen allele CA008134.
Genomic context (GRCh38, chr11:2,572,089, plus strand): 5'-CAGATCCTGAGGATGCTACACGTCGACCGCCAGGGAGGCACCTGGAGGCTCCTGGGCTCC[G>C]TGGTCTTCATCCACCGCCAGGTGGGTGGCCCGGGTTAGGGGTGCGGGGCCCAGGTTGGGG-3'
Protein context (NP_000209.2, residues 244-264): QGGTWRLLGS[Val254Leu]VFIHRQELIT

ClinVar aggregate classification (germline): not provided (0 of 4 stars; one submission).

Conditions:
Familial long QT syndrome (RWS). Also called: Congenital long QT syndrome; Romano-Ward syndrome; VENTRICULAR FIBRILLATION WITH PROLONGED QT INTERVAL. Identifiers: Orphanet 768, MedGen C1141890, MONDO:0019171.

Submission:

Cardiovascular Biomedical Research Unit, Royal Brompton & Harefield NHS Foundation Trust
No classification provided. Condition: Familial long QT syndrome. Review status: no classification provided. Collection method: literature only. Allele origin: germline.
Comment: This variant has been reported as associated with Long QT syndrome in the following publications (PMID:14678125). This is a literature report, and does not necessarily reflect the clinical interpretation of the Imperial College / Royal Brompton Cardiovascular Genetics laboratory.

Literature cited by the submitters: PubMed 14678125; PubMed 22581653.